The following is an entry in ClinVar:

ClinVar aggregate classification (germline): Conflicting classifications of pathogenicity. Review status: criteria provided, conflicting classifications (1 of 4 stars). 5 submissions from 5 submitters: Uncertain significance (3); Likely benign (1). 1 of the submissions does not count toward it. Last evaluated 2025-11-01.

Conditions:
PALB2-related cancer predisposition. Identifiers: MedGen CN377761, MONDO:0700272.
Hereditary cancer-predisposing syndrome. Also called: Neoplastic Syndromes, Hereditary; Hereditary Cancer Syndrome; Tumor predisposition; Hereditary neoplastic syndrome. Identifiers: Orphanet 140162, MedGen C0027672, MeSH D009386, MONDO:0015356.
Familial cancer of breast. Also called: hereditary breast carcinoma; BREAST CANCER, FAMILIAL; Hereditary breast cancer. Identifiers: Orphanet 227535, MedGen C0346153, MONDO:0016419, OMIM 114480. Disease mechanism: loss of function.
PALB2-related disorder. Also called: PALB2-related disorders; PALB2-related condition.

Allele frequency attached by ClinVar (database versions not stated): gnomAD exomes below 0.00001.
gnomAD v4.1: 1 of 1,614,172 alleles (0.000062%); highest among the groups gnomAD compares: Non-Finnish European, 0.000085%; no homozygotes.

Submissions (5):

Labcorp Genetics (formerly Invitae), Labcorp
Classification: Uncertain significance for Familial cancer of breast. Last evaluated: 2025-11-01. Review status: criteria provided, single submitter. Criteria: Invitae Variant Classification Sherloc (09022015). Collection method: clinical testing. Allele origin: germline.
Comment: This sequence change falls in intron 6 of the PALB2 gene. It does not directly change the encoded amino acid sequence of the PALB2 protein. This variant is not present in population databases (gnomAD no frequency). This variant has not been reported in the literature in individuals affected with PALB2-related conditions. ClinVar contains an entry for this variant (Variation ID: 942775). Studies have shown that this variant is associated with inconclusive levels of altered splicing (internal data). In summary, the available evidence is currently insufficient to determine the role of this variant in disease. Therefore, it has been classified as a Variant of Uncertain Significance.

Department of Pathology and Laboratory Medicine, Sinai Health System
Classification: Likely benign for PALB2-related cancer predisposition. Last evaluated: 2024-12-10. Review status: criteria provided, single submitter. Criteria: ACMG Guidelines, 2015. Collection method: clinical testing. Allele origin: germline.

GeneDx
Classification: Uncertain significance. Last evaluated: 2024-05-06. Review status: criteria provided, single submitter. Criteria: GeneDx Variant Classification Process June 2021. Collection method: clinical testing. Allele origin: germline. Affected: yes.
Comment: Not observed at significant frequency in large population cohorts (gnomAD); Has not been previously published as pathogenic or benign to our knowledge; In silico analysis is inconclusive as to whether the variant alters gene splicing. In the absence of RNA/functional studies, the actual effect of this sequence change is unknown.

Color Diagnostics, LLC DBA Color Health
Classification: Uncertain significance for Hereditary cancer-predisposing syndrome. Last evaluated: 2023-09-13. Review status: criteria provided, single submitter. Criteria: ACMG Guidelines, 2015. Collection method: clinical testing. Allele origin: germline.
Comment: This variant causes a T to G nucleotide substitution at the -8 position of intron 6 of the PALB2 gene. Splice site prediction tools predict that this variant may have a significant impact on RNA splicing. Although this prediction has not been confirmed in published RNA studies, this variant is expected to result in an absent or disrupted protein product. To our knowledge, functional studies have not been reported for this variant. This variant has not been reported in individuals affected with PALB2-related disorders in the literature. This variant has not been identified in the general population by the Genome Aggregation Database (gnomAD). The available evidence is insufficient to determine the role of this variant in disease conclusively. Therefore, this variant is classified as a Variant of Uncertain Significance.

PreventionGenetics, part of Exact Sciences
Classification: Uncertain significance for PALB2-related condition. Last evaluated: 2024-03-14. Review status: no assertion criteria provided. Collection method: clinical testing. Allele origin: germline. Not counted in ClinVar's aggregate classification.
Comment: The PALB2 c.2587-8T>G variant is predicted to interfere with splicing. This variant is predicted to alter splicing based on available splicing prediction software (SpliceAI, Jaganathan et al. 2019. PubMed ID: 30661751). However, the use of computer prediction softwares is not equivalent to functional evidence. To our knowledge, this variant has not been reported in the literature or in a large population database, indicating this variant is rare. At this time, the clinical significance of this variant is uncertain due to the absence of conclusive functional and genetic evidence.

NM_024675.4(PALB2):c.2587-8T>G

Gene: PALB2 (partner and localizer of BRCA2; minus strand). Cytogenetic location: 16p12.2.
Variant type: single nucleotide variant.
Coding change: c.2587-8T>G on transcript NM_024675.4 (MANE Select); 8 bases into the intron before coding-DNA position 2587, T replaced by G.
Molecular consequence: intron variant.
Genome position (GRCh38, 1-based): chr16:23,626,405, A>C on the plus strand (T>G on the coding strand, the complement: PALB2 is on the minus strand). VCF-style: chr16-23626405-A-C. GRCh37 (hg19) VCF-style: chr16-23637726-A-C.
Identifiers: ClinVar variation 942775 (VCV000942775.14), dbSNP rs1489345430, ClinGen allele CA1139664582.